The following is an entry in ClinVar:

ClinVar aggregate classification (germline): Uncertain significance (1 of 4 stars; one submission).

gnomAD v4.1: 5 of 1,614,080 alleles (0.00031%); highest among the groups gnomAD compares: Non-Finnish European, 0.00034%; no homozygotes.

Submission:

Labcorp Genetics (formerly Invitae), Labcorp
Classification: Uncertain significance. Last evaluated: 2022-03-26. Review status: criteria provided, single submitter. Criteria: Invitae Variant Classification Sherloc (09022015). Collection method: clinical testing. Allele origin: germline.
Comment: This sequence change replaces aspartic acid, which is acidic and polar, with glutamic acid, which is acidic and polar, at codon 3879 of the KMT2A protein (p.Asp3879Glu). This variant is not present in population databases (gnomAD no frequency). This variant has not been reported in the literature in individuals affected with KMT2A-related conditions. Advanced modeling of protein sequence and biophysical properties (such as structural, functional, and spatial information, amino acid conservation, physicochemical variation, residue mobility, and thermodynamic stability) performed at Invitae indicates that this missense variant is not expected to disrupt KMT2A protein function. In summary, the available evidence is currently insufficient to determine the role of this variant in disease. Therefore, it has been classified as a Variant of Uncertain Significance.

NM_001197104.2(KMT2A):c.11637C>G (p.Asp3879Glu)

Genes: KMT2A (lysine methyltransferase 2A; plus strand), TTC36-AS1 (TTC36 and KMT2A antisense RNA 1; minus strand). Cytogenetic location: 11q23.3.
Variant type: single nucleotide variant.
Coding change: c.11637C>G on transcript NM_001197104.2 (MANE Select); coding-DNA position 11637, C replaced by G.
Protein change: p.Asp3879Glu; replaces aspartic acid 3879 with glutamic acid.
Molecular consequence: missense variant.
Genome position (GRCh38, 1-based): chr11:118,521,411, C>G. VCF-style: chr11-118521411-C-G. GRCh37 (hg19) VCF-style: chr11-118392126-C-G.
Other names: c.11727C>G, p.Asp3909Glu (NM_001412597.1); c.11628C>G, p.Asp3876Glu (NM_005933.4); short protein forms D3876E, D3909E, D3879E.
Identifiers: ClinVar variation 2117884 (VCV002117884.4), dbSNP rs2135295003, ClinGen allele CA382835883.